The following is an entry in ClinVar:

NM_003072.5(SMARCA4):c.836G>T (p.Gly279Val)

Gene: SMARCA4 (SWI/SNF related BAF chromatin remodeling complex subunit ATPase 4; plus strand). Cytogenetic location: 19p13.2.
Variant type: single nucleotide variant.
Coding change: c.836G>T on transcript NM_003072.5 (MANE Select); coding-DNA position 836, G replaced by T.
Protein change: p.Gly279Val; replaces glycine 279 with valine.
Molecular consequence: missense variant. On other transcripts: non-coding transcript variant (1).
Genome position (GRCh38, 1-based): chr19:10,986,980, G>T. VCF-style: chr19-10986980-G-T. GRCh37 (hg19) VCF-style: chr19-11097656-G-T.
Other names: c.836G>T, p.Gly279Val (NM_001128844.3, NM_001128845.2, NM_001128846.2 and 6 more transcripts); short protein forms G279V.
Identifiers: ClinVar variation 2692727 (VCV002692727.3), dbSNP rs1469709297, ClinGen allele CA404058104.
Genomic context (GRCh38, chr19:10,986,980, plus strand): 5'-ACATGCCTCCCCCAGGACCCTCGGGCGTGCCCCCCGGGATGCCAGGCCAGCCTCCTGGAG[G>T]GCCTCCCAAGCCCTGGCCTGAAGGTGAGCTCCCTCTTCTATGGTGGTGCACCCGTGCCCT-3'
Protein context (NP_003063.2, residues 269-289): PPGMPGQPPG[Gly279Val]PPKPWPEGPM

ClinVar aggregate classification (germline): Uncertain significance (1 of 4 stars; one submission).

Conditions:
Rhabdoid tumor predisposition syndrome 2 (RTPS2). Identifiers: Orphanet 231108, Orphanet 69077, MedGen C2750074, MONDO:0013224, OMIM 613325.

Submission:

Labcorp Genetics (formerly Invitae), Labcorp
Classification: Uncertain significance for Rhabdoid tumor predisposition syndrome 2. Last evaluated: 2023-11-02. Review status: criteria provided, single submitter. Criteria: Invitae Variant Classification Sherloc (09022015). Collection method: clinical testing. Allele origin: germline.
Comment: This sequence change replaces glycine, which is neutral and non-polar, with valine, which is neutral and non-polar, at codon 279 of the SMARCA4 protein (p.Gly279Val). This variant is not present in population databases (gnomAD no frequency). This variant has not been reported in the literature in individuals affected with SMARCA4-related conditions. Advanced modeling of protein sequence and biophysical properties (such as structural, functional, and spatial information, amino acid conservation, physicochemical variation, residue mobility, and thermodynamic stability) performed at Invitae indicates that this missense variant is not expected to disrupt SMARCA4 protein function with a negative predictive value of 95%. In summary, the available evidence is currently insufficient to determine the role of this variant in disease. Therefore, it has been classified as a Variant of Uncertain Significance.